The following is an entry in ClinVar:

ClinVar aggregate classification (germline): Uncertain significance (1 of 4 stars; one submission).

Allele frequency attached by ClinVar (database versions not stated): gnomAD exomes below 0.00001 and 0.00001; ExAC 0.00001.
gnomAD v4.1: 2 of 1,614,162 alleles (0.00012%); highest among the groups gnomAD compares: Admixed American, 0.0017%; no homozygotes.

Submission:

GeneDx
Classification: Uncertain significance. Last evaluated: 2020-08-10. Review status: criteria provided, single submitter. Criteria: GeneDx Variant Classification Process June 2021. Collection method: clinical testing. Allele origin: germline. Affected: yes.
Comment: Has not been previously published as pathogenic or benign to our knowledge; In-silico analysis, which includes splice predictors and evolutionary conservation, is inconclusive as to whether the variant alters gene splicing. In the absence of RNA/functional studies, the actual effect of this sequence change is unknown.

NM_001376.5(DYNC1H1):c.8887-13T>G

Genes: DYNC1H1 (dynein cytoplasmic 1 heavy chain 1; plus strand), LOC126862060 (BRD4-independent group 4 enhancer GRCh37_chr14:102493659-102494858; plus strand). Cytogenetic location: 14q32.31.
Variant type: single nucleotide variant.
Coding change: c.8887-13T>G on transcript NM_001376.5 (MANE Select); 13 bases into the intron before coding-DNA position 8887, T replaced by G.
Molecular consequence: intron variant.
Genome position (GRCh38, 1-based): chr14:102,027,370, T>G. VCF-style: chr14-102027370-T-G. GRCh37 (hg19) VCF-style: chr14-102493707-T-G.
Identifiers: ClinVar variation 1313157 (VCV001313157.2), dbSNP rs766982598, ClinGen allele CA7353141.